The following is an entry in ClinVar:

NM_032119.4(ADGRV1):c.2460T>G (p.Asn820Lys)

Gene: ADGRV1 (adhesion G protein-coupled receptor V1; plus strand). Cytogenetic location: 5q14.3.
Variant type: single nucleotide variant.
Coding change: c.2460T>G on transcript NM_032119.4 (MANE Select); coding-DNA position 2460, T replaced by G.
Protein change: p.Asn820Lys; replaces asparagine 820 with lysine.
Molecular consequence: missense variant. On other transcripts: non-coding transcript variant (1).
Genome position (GRCh38, 1-based): chr5:90,642,948, T>G. VCF-style: chr5-90642948-T-G. GRCh37 (hg19) VCF-style: chr5-89938765-T-G.
Other names: short protein forms N820K.
Identifiers: ClinVar variation 2111041 (VCV002111041.4), dbSNP rs2531980613, ClinGen allele CA360388141.

ClinVar aggregate classification (germline): Uncertain significance (1 of 4 stars; one submission).

Allele frequency attached by ClinVar (database versions not stated): gnomAD exomes 0.00001.
gnomAD v4.1: 4 of 1,613,606 alleles (0.00025%); highest among the groups gnomAD compares: Non-Finnish European, 0.00034%; no homozygotes.

Submission:

Labcorp Genetics (formerly Invitae), Labcorp
Classification: Uncertain significance. Last evaluated: 2022-03-13. Review status: criteria provided, single submitter. Criteria: Invitae Variant Classification Sherloc (09022015). Collection method: clinical testing. Allele origin: germline.
Comment: This variant has not been reported in the literature in individuals affected with ADGRV1-related conditions. Algorithms developed to predict the effect of missense changes on protein structure and function are either unavailable or do not agree on the potential impact of this missense change (SIFT: "Tolerated"; PolyPhen-2: "Possibly Damaging"; Align-GVGD: "Class C0"). This variant is not present in population databases (gnomAD no frequency). This sequence change replaces asparagine, which is neutral and polar, with lysine, which is basic and polar, at codon 820 of the ADGRV1 protein (p.Asn820Lys). In summary, the available evidence is currently insufficient to determine the role of this variant in disease. Therefore, it has been classified as a Variant of Uncertain Significance.